The following is an entry in ClinVar:

NM_014625.4(NPHS2):c.784A>T (p.Arg262Ter)

Genes: NPHS2 (NPHS2 stomatin family member, podocin; minus strand), AXDND1 (axonemal dynein light chain domain containing 1; plus strand). Cytogenetic location: 1q25.2.
Variant type: single nucleotide variant.
Coding change: c.784A>T on transcript NM_014625.4 (MANE Select); coding-DNA position 784, A replaced by T.
Protein change: p.Arg262Ter; replaces arginine 262 with a stop codon.
Molecular consequence: nonsense. On other transcripts: intron variant (1).
Genome position (GRCh38, 1-based): chr1:179,554,486, T>A on the plus strand (A>T on the coding strand, the complement: NPHS2 is on the minus strand). VCF-style: chr1-179554486-T-A. GRCh37 (hg19) VCF-style: chr1-179523621-T-A.
Other names: c.580A>T, p.Arg194Ter (NM_001297575.2); c.3032-26T>A (NM_144696.6); short protein forms R194*, R262*.
Identifiers: ClinVar variation 1724745 (VCV001724745.2), dbSNP rs1158299404, ClinGen allele CA343566365.

ClinVar aggregate classification (germline): Likely pathogenic (1 of 4 stars; one submission).

Conditions:
Nephrotic syndrome, type 2 (NPHS2). Also called: NEPHROTIC SYNDROME, STEROID-RESISTANT, AUTOSOMAL RECESSIVE. Identifiers: Orphanet 656, MedGen C1868672, MONDO:0010974, OMIM 600995.

Submission:

Myriad Genetics, Inc.
Classification: Likely pathogenic for Nephrotic syndrome, type 2. Last evaluated: 2022-02-25. Review status: criteria provided, single submitter. Criteria: Myriad Women's Health Autosomal Recessive and X-Linked Classification Criteria (2021). Collection method: clinical testing. Allele origin: unknown.
Comment: NM_014625.2(NPHS2):c.784A>T(R262*) is expected to be pathogenic in the context of nephrotic syndrome, NPHS2-related. This variant is predicted to lead to an abnormal or absent protein product due to the creation of a premature termination codon in NPHS2, a gene where loss-of-function variants are known to be pathogenic. Please note: this variant was assessed in the context of healthy population screening.